The following is an entry in ClinVar:

ClinVar aggregate classification (germline): Pathogenic/Likely pathogenic. Review status: criteria provided, multiple submitters, no conflicts (2 of 4 stars). 3 submissions from 3 submitters: Pathogenic (2); Likely pathogenic (1). Last evaluated 2026-06-23.

Conditions:
Leukodystrophy, hypomyelinating, 3. Identifiers: Orphanet 280270, Orphanet 280293, MedGen C1850053, MONDO:0009843, OMIM 260600.

Submissions (3):

Women's Health and Genetics/Laboratory Corporation of America, LabCorp
Classification: Pathogenic for Leukodystrophy, hypomyelinating, 3. Last evaluated: 2026-06-23. Review status: criteria provided, single submitter. Criteria: LabCorp Variant Classification Summary - May 2015. Collection method: clinical testing. Allele origin: germline.
Comment: Variant summary: AIMP1 c.267_282del16 (p.Asn89LysfsX3) results in a premature termination codon, predicted to cause a truncation of the encoded protein or absence of the protein due to nonsense mediated decay, which are commonly known mechanisms for disease. Loss-of-function variants in this gene are known to be pathogenic. The variant was absent in 251176 control chromosomes. To our knowledge, no occurrence of c.267_282del16 in individuals affected with AIMP1-related conditions and no experimental evidence demonstrating its impact on protein function have been reported. ClinVar contains an entry for this variant (Variation ID: 3589732). Based on the evidence outlined above, the variant was classified as pathogenic.

Labcorp Genetics (formerly Invitae), Labcorp
Classification: Pathogenic. Last evaluated: 2024-10-23. Review status: criteria provided, single submitter. Criteria: Invitae Variant Classification Sherloc (09022015). Collection method: clinical testing. Allele origin: germline.
Comment: This sequence change creates a premature translational stop signal (p.Asn89Lysfs*3) in the AIMP1 gene. It is expected to result in an absent or disrupted protein product. Loss-of-function variants in AIMP1 are known to be pathogenic (PMID: 21092922). This variant is not present in population databases (gnomAD no frequency). This variant has not been reported in the literature in individuals affected with AIMP1-related conditions. For these reasons, this variant has been classified as Pathogenic.

Fulgent Genetics
Classification: Likely pathogenic for Leukodystrophy, hypomyelinating, 3. Last evaluated: 2024-05-21. Review status: criteria provided, single submitter. Criteria: ACMG Guidelines, 2015. Collection method: clinical testing. Allele origin: germline.

Literature cited by the submitters: PubMed 21092922 (cited by Labcorp Genetics (formerly Invitae), Labcorp).

NM_001142416.2(AIMP1):c.267_282del (p.Asn89fs)

Gene: AIMP1 (aminoacyl tRNA synthetase complex interacting multifunctional protein 1; plus strand). Cytogenetic location: 4q24.
Variant type: Deletion.
Coding change: c.267_282del on transcript NM_001142416.2 (MANE Select); coding-DNA positions 267 to 282, 16 bases deleted (TTCTATGGTTTCTGAA).
Protein change: p.Asn89fs; shifts the reading frame from asparagine 89.
Molecular consequence: frameshift variant.
Genome position (GRCh38, 1-based): chr4:106,328,119-106,328,134, TTCTATGGTTTCTGAA deleted; deleting any 16 consecutive bases within chr4:106,328,117-106,328,134 gives the same sequence; the c. name uses the placement nearest the transcript's 3' end. VCF-style (leftmost placement, unchanged base first): chr4-106328116-TAATTCTATGGTTTCTG-T. GRCh37 (hg19) VCF-style: chr4-107249273-TAATTCTATGGTTTCTG-T.
Other names: c.267_282del, p.Asn89fs (NM_001142415.2, NM_004757.4); c.267_282del16 (NM_004757.4); short protein forms N89fs.
Identifiers: ClinVar variation 3589732 (VCV003589732.4).
Genomic context (GRCh38, chr4:106,328,116, plus strand): 5'-TATTTCATTTTCTGTCTCAGTGAAGCAAATACCATTTCCATCTGGTACTCCACTGCACGC[TAATTCTATGGTTTCTG>T]AAAATGTGATACAGTCTACAGCAGTAACAACCGTATCTTCTGGTACCAAAGAACAGATAA-3'